The following is an entry in ClinVar:

NM_015378.4(VPS13D):c.4831G>A (p.Glu1611Lys)

Gene: VPS13D (vacuolar protein sorting 13 homolog D; plus strand). Cytogenetic location: 1p36.22.
Variant type: single nucleotide variant.
Coding change: c.4831G>A on transcript NM_015378.4 (MANE Select); coding-DNA position 4831, G replaced by A.
Protein change: p.Glu1611Lys; replaces glutamic acid 1611 with lysine.
Molecular consequence: missense variant.
Genome position (GRCh38, 1-based): chr1:12,282,933, G>A. VCF-style: chr1-12282933-G-A. GRCh37 (hg19) VCF-style: chr1-12342990-G-A.
Other names: p.Glu1611Lys; c.4831G>A, p.Glu1611Lys (NM_018156.4); short protein forms E1611K.
Identifiers: ClinVar variation 774576 (VCV000774576.36), dbSNP rs41279452, ClinGen allele CA602219.

ClinVar aggregate classification (germline): Benign. Review status: criteria provided, multiple submitters, no conflicts (2 of 4 stars). 5 submissions from 5 submitters: Benign (4). 1 of the submissions does not count toward it. Last evaluated 2026-09-01.

Conditions:
VPS13D-related disorder. Also called: VPS13D-related condition.

Allele frequency attached by ClinVar (database versions not stated): 1000 Genomes Project 0.00220; 1000 Genomes Project 30x 0.00281; gnomAD 0.00812 and 0.00875; TOPMed 0.00816; gnomAD exomes 0.00830 and 0.01189; ESP Exome Variant Server 0.00884; ExAC 0.00923.
gnomAD v4.1: 18,416 of 1,614,172 alleles (1.1%); highest among the groups gnomAD compares: Non-Finnish European, 1.4%; 142 homozygotes.

Submissions (5):

CeGaT Center for Human Genetics Tuebingen
Classification: Benign. Last evaluated: 2026-09-01. Review status: criteria provided, single submitter. Criteria: CeGaT Center For Human Genetics Tuebingen Variant Classification Criteria Version 2. Collection method: clinical testing. Allele origin: germline. Affected: yes. Observed: 41 variant alleles.
Comment: VPS13D: BS1, BS2

Labcorp Genetics (formerly Invitae), Labcorp
Classification: Benign. Last evaluated: 2026-01-21. Review status: criteria provided, single submitter. Criteria: Invitae Variant Classification Sherloc (09022015). Collection method: clinical testing. Allele origin: germline.

Mayo Clinic Laboratories, Mayo Clinic
Classification: Benign. Last evaluated: 2023-01-13. Review status: criteria provided, single submitter. Criteria: ACMG Guidelines, 2015. Collection method: clinical testing. Allele origin: germline. Observed: 58 variant alleles.
Comment: BS1, BS2, BP4

Breakthrough Genomics
Classification: Benign. Review status: criteria provided, single submitter. Criteria: ACMG Guidelines, 2015. Collection method: not provided. Allele origin: germline. Inheritance: Autosomal recessive inheritance. Affected: yes.

PreventionGenetics, part of Exact Sciences
Classification: Benign for VPS13D-related condition. Last evaluated: 2019-02-19. Review status: no assertion criteria provided. Collection method: clinical testing. Allele origin: germline. Not counted in ClinVar's aggregate classification.
Comment: This variant is classified as benign based on ACMG/AMP sequence variant interpretation guidelines (Richards et al. 2015 PMID: 25741868, with internal and published modifications).